The following is an entry in ClinVar:

ClinVar aggregate classification (germline): Likely benign (1 of 4 stars; one submission).

Conditions:
PTPRQ-related disorder. Also called: PTPRQ-related condition.

gnomAD v4.1: 4 of 1,470,850 alleles (0.00027%); highest among the groups gnomAD compares: Non-Finnish European, 0.00027%; no homozygotes.

Submission:

PreventionGenetics, part of Exact Sciences
Classification: Likely benign for PTPRQ-related condition. Last evaluated: 2025-09-10. Review status: criteria provided, single submitter. Criteria: ACMG Guidelines, 2015. Collection method: clinical testing. Allele origin: germline.
Comment: This variant is classified as likely benign based on ACMG/AMP sequence variant interpretation guidelines (Richards et al. 2015 PMID: 25741868, with internal and published modifications).

NM_001145026.2(PTPRQ):c.5230+9A>G

Gene: PTPRQ (protein tyrosine phosphatase receptor type Q; plus strand). Cytogenetic location: 12q21.31.
Variant type: single nucleotide variant.
Coding change: c.5230+9A>G on transcript NM_001145026.2 (MANE Select); 9 bases into the intron after coding-DNA position 5230, A replaced by G.
Molecular consequence: intron variant.
Genome position (GRCh38, 1-based): chr12:80,616,275, A>G. VCF-style: chr12-80616275-A-G. GRCh37 (hg19) VCF-style: chr12-81010054-A-G.
Identifiers: ClinVar variation 4984226 (VCV004984226.1).